The following is an entry in ClinVar:

ClinVar aggregate classification (germline): Uncertain significance (1 of 4 stars; one submission).

Allele frequency attached by ClinVar (database versions not stated): gnomAD exomes below 0.00001.
gnomAD v4.1: 1 of 1,613,590 alleles (0.000062%); highest among the groups gnomAD compares: South Asian, 0.0011%; no homozygotes.

Submission:

Labcorp Genetics (formerly Invitae), Labcorp
Classification: Uncertain significance. Last evaluated: 2024-10-29. Review status: criteria provided, single submitter. Criteria: Invitae Variant Classification Sherloc (09022015). Collection method: clinical testing. Allele origin: germline.
Comment: This sequence change replaces asparagine, which is neutral and polar, with aspartic acid, which is acidic and polar, at codon 569 of the PDE6C protein (p.Asn569Asp). This variant is present in population databases (no rsID available, gnomAD 0.003%). This variant has not been reported in the literature in individuals affected with PDE6C-related conditions. ClinVar contains an entry for this variant (Variation ID: 2040443). Invitae Evidence Modeling of protein sequence and biophysical properties (such as structural, functional, and spatial information, amino acid conservation, physicochemical variation, residue mobility, and thermodynamic stability) indicates that this missense variant is expected to disrupt PDE6C protein function with a positive predictive value of 95%. In summary, the available evidence is currently insufficient to determine the role of this variant in disease. Therefore, it has been classified as a Variant of Uncertain Significance.

NM_006204.4(PDE6C):c.1705A>G (p.Asn569Asp)

Gene: PDE6C (phosphodiesterase 6C; plus strand). Cytogenetic location: 10q23.33.
Variant type: single nucleotide variant.
Coding change: c.1705A>G on transcript NM_006204.4 (MANE Select); coding-DNA position 1705, A replaced by G.
Protein change: p.Asn569Asp; replaces asparagine 569 with aspartic acid.
Molecular consequence: missense variant.
Genome position (GRCh38, 1-based): chr10:93,640,525, A>G. VCF-style: chr10-93640525-A-G. GRCh37 (hg19) VCF-style: chr10-95400282-A-G.
Other names: short protein forms N569D.
Identifiers: ClinVar variation 2040443 (VCV002040443.4), dbSNP rs1277937190, ClinGen allele CA377618695.